The following is an entry in ClinVar:

ClinVar aggregate classification (germline): Uncertain significance (1 of 4 stars; one submission).

Conditions:
Fanconi anemia (FA). Also called: Fanconi's anemia. Identifiers: Orphanet 84, MedGen C0015625, MeSH D005199, MONDO:0019391.

gnomAD v4.1: 1 of 1,613,086 alleles (0.000062%); highest among the groups gnomAD compares: Non-Finnish European, 0.000085%; no homozygotes.

Submission:

Labcorp Genetics (formerly Invitae), Labcorp
Classification: Uncertain significance for Fanconi anemia. Last evaluated: 2025-04-03. Review status: criteria provided, single submitter. Criteria: Invitae Variant Classification Sherloc (09022015). Collection method: clinical testing. Allele origin: germline.
Comment: This sequence change replaces arginine, which is basic and polar, with proline, which is neutral and non-polar, at codon 1204 of the FANCM protein (p.Arg1204Pro). This variant is present in population databases (no rsID available, gnomAD 0.007%). This variant has not been reported in the literature in individuals affected with FANCM-related conditions. An algorithm developed to predict the effect of missense changes on protein structure and function (PolyPhen-2) suggests that this variant is likely to be tolerated. In summary, the available evidence is currently insufficient to determine the role of this variant in disease. Therefore, it has been classified as a Variant of Uncertain Significance.

NM_020937.4(FANCM):c.3611G>C (p.Arg1204Pro)

Gene: FANCM (FA complementation group M; plus strand). Cytogenetic location: 14q21.2.
Variant type: single nucleotide variant.
Coding change: c.3611G>C on transcript NM_020937.4 (MANE Select); coding-DNA position 3611, G replaced by C.
Protein change: p.Arg1204Pro; replaces arginine 1204 with proline.
Molecular consequence: missense variant.
Genome position (GRCh38, 1-based): chr14:45,176,365, G>C. VCF-style: chr14-45176365-G-C. GRCh37 (hg19) VCF-style: chr14-45645568-G-C.
Other names: c.3533G>C, p.Arg1178Pro (NM_001308133.2); short protein forms R1178P, R1204P.
Identifiers: ClinVar variation 4742085 (VCV004742085.1).